The following is an entry in ClinVar:

ClinVar aggregate classification (germline): Uncertain significance (1 of 4 stars; one submission).

Conditions:
Charcot-Marie-Tooth disease axonal type 2S. Also called: CHARCOT-MARIE-TOOTH NEUROPATHY, TYPE 2S; CHARCOT-MARIE-TOOTH DISEASE, AXONAL, AUTOSOMAL RECESSIVE, TYPE 2S. Identifiers: Orphanet 443073, MedGen C4015349, MONDO:0014511, OMIM 616155.
Autosomal recessive distal spinal muscular atrophy 1. Also called: NEURONOPATHY, DISTAL HEREDITARY MOTOR, HARDING TYPE VI; NEUROPATHY, DISTAL HEREDITARY MOTOR, AUTOSOMAL RECESSIVE 1; HMN VI; NEURONOPATHY, SEVERE INFANTILE AXONAL, WITH RESPIRATORY FAILURE; SEVERE INFANTILE AXONAL NEUROPATHY WITH RESPIRATORY FAILURE; SPINAL MUSCULAR ATROPHY, DIAPHRAGMATIC. Identifiers: Orphanet 98920, MedGen C1858517, MONDO:0011436, OMIM 604320.

Allele frequency attached by ClinVar (database versions not stated): gnomAD exomes below 0.00001; ExAC 0.00001.
gnomAD v4.1: 2 of 1,598,312 alleles (0.00013%); highest among the groups gnomAD compares: Non-Finnish European, 0.00017%; no homozygotes.

Submission:

Labcorp Genetics (formerly Invitae), Labcorp
Classification: Uncertain significance for Autosomal recessive distal spinal muscular atrophy 1; Charcot-Marie-Tooth disease axonal type 2S. Last evaluated: 2021-07-21. Review status: criteria provided, single submitter. Criteria: Invitae Variant Classification Sherloc (09022015). Collection method: clinical testing. Allele origin: germline.
Comment: In summary, the available evidence is currently insufficient to determine the role of this variant in disease. Therefore, it has been classified as a Variant of Uncertain Significance. Advanced modeling of protein sequence and biophysical properties (such as structural, functional, and spatial information, amino acid conservation, physicochemical variation, residue mobility, and thermodynamic stability) performed at Invitae indicates that this missense variant is not expected to disrupt IGHMBP2 protein function. This variant has not been reported in the literature in individuals with IGHMBP2-related conditions. This variant is present in population databases (rs753639706, ExAC 0.002%). This sequence change replaces lysine with glutamic acid at codon 867 of the IGHMBP2 protein (p.Lys867Glu). The lysine residue is moderately conserved and there is a small physicochemical difference between lysine and glutamic acid.

NM_002180.3(IGHMBP2):c.2599A>G (p.Lys867Glu)

Gene: IGHMBP2 (immunoglobulin mu DNA binding protein 2; plus strand). Cytogenetic location: 11q13.3.
Variant type: single nucleotide variant.
Coding change: c.2599A>G on transcript NM_002180.3 (MANE Select); coding-DNA position 2599, A replaced by G.
Protein change: p.Lys867Glu; replaces lysine 867 with glutamic acid.
Molecular consequence: missense variant.
Genome position (GRCh38, 1-based): chr11:68,937,079, A>G. VCF-style: chr11-68937079-A-G. GRCh37 (hg19) VCF-style: chr11-68704547-A-G.
Other names: short protein forms K867E.
Identifiers: ClinVar variation 1394558 (VCV001394558.8), dbSNP rs753639706, ClinGen allele CA6153946.